The following is an entry in ClinVar:

NM_000059.4(BRCA2):c.10195G>T (p.Ala3399Ser)

Gene: BRCA2 (BRCA2 DNA repair associated; plus strand). Cytogenetic location: 13q13.1.
Variant type: single nucleotide variant.
Coding change: c.10195G>T on transcript NM_000059.4 (MANE Select); coding-DNA position 10195, G replaced by T.
Protein change: p.Ala3399Ser; replaces alanine 3399 with serine.
Molecular consequence: missense variant.
Genome position (GRCh38, 1-based): chr13:32,398,708, G>T. VCF-style: chr13-32398708-G-T. GRCh37 (hg19) VCF-style: chr13-32972845-G-T.
Other names: short protein forms A3399S.
Identifiers: ClinVar variation 433844 (VCV000433844.7), dbSNP rs1057521734, ClinGen allele CA387768381.

ClinVar aggregate classification (germline): Likely benign. Review status: criteria provided, single submitter (1 of 4 stars). 2 submissions from 2 submitters: Likely benign (1). 1 of the submissions does not count toward it. Last evaluated 2018-11-20.

Conditions:
Hereditary cancer-predisposing syndrome. Also called: Hereditary Cancer Syndrome; Hereditary neoplastic syndrome; Neoplastic Syndromes, Hereditary; Tumor predisposition. Identifiers: Orphanet 140162, MedGen C0027672, MeSH D009386, MONDO:0015356.
Malignant tumor of breast. Also called: Malignant breast neoplasm; Cancer breast. Identifiers: MedGen C0006142, MONDO:0007254. Disease mechanism: loss of function.

Submissions (2):

Ambry Genetics
Classification: Likely benign for Hereditary cancer-predisposing syndrome. Last evaluated: 2018-11-20. Review status: criteria provided, single submitter. Criteria: Ambry Variant Classification Scheme 2023. Collection method: clinical testing. Allele origin: germline.

Department of Pathology and Laboratory Medicine, Sinai Health System
Classification: Uncertain significance for Malignant tumor of breast. Review status: no assertion criteria provided. Collection method: clinical testing. Allele origin: unknown. Affected: yes. Study: The Canadian Open Genetics Repository (COGR). Not counted in ClinVar's aggregate classification.
Comment: The p.Ala3399Ser variant was not identified in the literature, nor was it identified in the dbSNP, NHLBI Exome Sequencing Project (Exome Variant Server), Exome Aggregation Consortium (ExAC), LOVD, COSMIC, ClinVar, Clinvitae, ARUP Laboratories BRCA Mutations Database, GeneInsight COGR, BRCA Share or BIC. Computational analyses (PolyPhen-2, SIFT, AlignGVGD, BLOSUM, MutationTaster) do not suggest a high likelihood of impact to the protein. The p.Ala3399 residue is not conserved in mammals and the variant amino acid Serine (Ser) is present in macaques, increasing the likelihood that this variant does not have clinical significance. The variant occurs outside of the splicing consensus sequence and in silico or computational prediction software programs (SpliceSiteFinder, MaxEntScan, NNSPLICE, GeneSplicer, HumanSpliceFinder) do not predict a difference in splicing. In summary, based on the above information, the clinical significance of this variant cannot be determined with certainty at this time. This variant is classified as a variant of unknown significance.